The following is an entry in ClinVar:

ClinVar aggregate classification (germline): Uncertain significance (1 of 4 stars; one submission).

Conditions:
Neurofibromatosis, type 1 (NF1). Also called: VON RECKLINGHAUSEN DISEASE; Peripheral type neurofibromatosis; NEUROFIBROMATOSIS, TYPE I, SOMATIC; Neurofibromatosis, type I. Identifiers: Orphanet 636, MedGen C0027831, MONDO:0018975, OMIM 162200. Disease mechanism: loss of function.

Submission:

Labcorp Genetics (formerly Invitae), Labcorp
Classification: Uncertain significance for Neurofibromatosis, type 1. Last evaluated: 2024-05-28. Review status: criteria provided, single submitter. Criteria: Invitae Variant Classification Sherloc (09022015). Collection method: clinical testing. Allele origin: germline.
Comment: This sequence change replaces threonine, which is neutral and polar, with isoleucine, which is neutral and non-polar, at codon 101 of the NF1 protein (p.Thr101Ile). This variant is not present in population databases (gnomAD no frequency). This variant has not been reported in the literature in individuals affected with NF1-related conditions. Advanced modeling of protein sequence and biophysical properties (such as structural, functional, and spatial information, amino acid conservation, physicochemical variation, residue mobility, and thermodynamic stability) has been performed at Invitae for this missense variant, however the output from this modeling did not meet the statistical confidence thresholds required to predict the impact of this variant on NF1 protein function. In summary, the available evidence is currently insufficient to determine the role of this variant in disease. Therefore, it has been classified as a Variant of Uncertain Significance.

NM_001042492.3(NF1):c.302C>T (p.Thr101Ile)

Gene: NF1 (neurofibromin 1; plus strand). Cytogenetic location: 17q11.2.
Variant type: single nucleotide variant.
Coding change: c.302C>T on transcript NM_001042492.3 (MANE Select); coding-DNA position 302, C replaced by T.
Protein change: p.Thr101Ile; replaces threonine 101 with isoleucine.
Molecular consequence: missense variant.
Genome position (GRCh38, 1-based): chr17:31,163,199, C>T. VCF-style: chr17-31163199-C-T. GRCh37 (hg19) VCF-style: chr17-29490217-C-T.
Other names: c.302C>T, p.Thr101Ile (NM_000267.4, NM_001128147.3); short protein forms T101I.
Identifiers: ClinVar variation 3634478 (VCV003634478.2).